The following is an entry in ClinVar:

ClinVar aggregate classification (germline): Pathogenic (1 of 4 stars; one submission).

Submission:

Labcorp Genetics (formerly Invitae), Labcorp
Classification: Pathogenic. Last evaluated: 2024-11-03. Review status: criteria provided, single submitter. Criteria: Invitae Variant Classification Sherloc (09022015). Collection method: clinical testing. Allele origin: germline.
Comment: This sequence change creates a premature translational stop signal (p.Val273Serfs*54) in the PAX1 gene. It is expected to result in an absent or disrupted protein product. Loss-of-function variants in PAX1 are known to be pathogenic (PMID: 1889089, 23851939, 28657137, 29681087). This variant is present in population databases (no rsID available, gnomAD 0.0009%). This variant has not been reported in the literature in individuals affected with PAX1-related conditions. For these reasons, this variant has been classified as Pathogenic.

Literature cited by the submitters: PubMed 1889089; PubMed 23851939; PubMed 28657137; PubMed 29681087.

NM_001257096.2(PAX1):c.813del (p.Val273fs)

Gene: PAX1 (paired box 1; plus strand). Cytogenetic location: 20p11.22.
Variant type: Deletion.
Coding change: c.813del on transcript NM_001257096.2 (MANE Select); coding-DNA position 813, one base deleted (C; older notation c.813delC).
Protein change: p.Val273fs; shifts the reading frame from valine 273.
Molecular consequence: frameshift variant.
Genome position (GRCh38, 1-based): chr20:21,706,964, C deleted; the last of 4 consecutive C bases (chr20:21,706,961-21,706,964); deleting any one gives the same sequence. VCF-style (leftmost placement, unchanged base first): chr20-21706960-AC-A. GRCh37 (hg19) VCF-style: chr20-21687598-AC-A.
Other names: c.813del, p.Val273fs (NM_006192.5); short protein forms V273fs.
Identifiers: ClinVar variation 3724536 (VCV003724536.2).